The following is an entry in ClinVar:

NM_176824.3(BBS7):c.1729A>C (p.Lys577Gln)

Gene: BBS7 (Bardet-Biedl syndrome 7; minus strand). Cytogenetic location: 4q27.
Variant type: single nucleotide variant.
Coding change: c.1729A>C on transcript NM_176824.3 (MANE Select); coding-DNA position 1729, A replaced by C.
Protein change: p.Lys577Gln; replaces lysine 577 with glutamine.
Molecular consequence: missense variant.
Genome position (GRCh38, 1-based): chr4:121,828,676, T>G on the plus strand (A>C on the coding strand, the complement: BBS7 is on the minus strand). VCF-style: chr4-121828676-T-G. GRCh37 (hg19) VCF-style: chr4-122749831-T-G.
Other names: c.1729A>C, p.Lys577Gln (NM_018190.4); c.1729A>C (NM_176824.2); short protein forms K577Q.
Identifiers: ClinVar variation 1498895 (VCV001498895.6), dbSNP rs200953128, ClinGen allele CA3064147.

ClinVar aggregate classification (germline): Uncertain significance. Review status: criteria provided, multiple submitters, no conflicts (2 of 4 stars). 2 submissions from 2 submitters: Uncertain significance (2). Last evaluated 2025-12-23.

Conditions:
BBS7-related disorder. Also called: BBS7-related condition.
Bardet-Biedl syndrome (BBS). Identifiers: Orphanet 110, MedGen C0752166, MONDO:0015229.

Allele frequency attached by ClinVar (database versions not stated): gnomAD exomes below 0.00001 and 0.00001; ExAC 0.00001; gnomAD 0.00001 and 0.00002; 1000 Genomes Project 0.00020; 1000 Genomes Project 30x 0.00031.
gnomAD v4.1: 9 of 1,610,376 alleles (0.00056%); highest among the groups gnomAD compares: African/African-American, 0.0093%; no homozygotes.

Submissions (2):

PreventionGenetics, part of Exact Sciences
Classification: Uncertain significance for BBS7-related condition. Last evaluated: 2025-12-23. Review status: criteria provided, single submitter. Criteria: ACMG Guidelines, 2015. Collection method: clinical testing. Allele origin: germline.
Comment: The BBS7 c.1729A>C variant is predicted to result in the amino acid substitution p.Lys577Gln. To our knowledge, this variant has not been reported in the literature. This variant is reported in 0.0062% of alleles in individuals of African descent in gnomAD. At this time, the clinical significance of this variant is uncertain due to the absence of conclusive functional and genetic evidence.

Labcorp Genetics (formerly Invitae), Labcorp
Classification: Uncertain significance for Bardet-Biedl syndrome. Last evaluated: 2022-06-13. Review status: criteria provided, single submitter. Criteria: Invitae Variant Classification Sherloc (09022015). Collection method: clinical testing. Allele origin: germline.
Comment: This sequence change replaces lysine, which is basic and polar, with glutamine, which is neutral and polar, at codon 577 of the BBS7 protein (p.Lys577Gln). This variant is present in population databases (rs200953128, gnomAD 0.007%). This variant has not been reported in the literature in individuals affected with BBS7-related conditions. Algorithms developed to predict the effect of missense changes on protein structure and function are either unavailable or do not agree on the potential impact of this missense change (SIFT: "Tolerated"; PolyPhen-2: "Probably Damaging"; Align-GVGD: "Class C0"). In summary, the available evidence is currently insufficient to determine the role of this variant in disease. Therefore, it has been classified as a Variant of Uncertain Significance.